The following is an entry in ClinVar:

ClinVar aggregate classification (germline): Uncertain significance. Review status: criteria provided, multiple submitters, no conflicts (2 of 4 stars). 2 submissions from 2 submitters: Uncertain significance (2). Last evaluated 2025-05-25.

Conditions:
Ataxia-telangiectasia syndrome (AT). Also called: ATAXIA-TELANGIECTASIA, COMPLEMENTATION GROUP A; ATAXIA-TELANGIECTASIA, FRESNO VARIANT; Ataxia-telangiectasia; Ataxia-telangiectasia, complementation group D; AT, COMPLEMENTATION GROUP C; Ataxia-telangiectasia, complementation group E. Identifiers: Orphanet 100, MedGen C0004135, MONDO:0008840, OMIM 208900.

Allele frequency attached by ClinVar (database versions not stated): gnomAD exomes below 0.00001.
gnomAD v4.1: 2 of 1,614,096 alleles (0.00012%); highest among the groups gnomAD compares: Non-Finnish European, 0.00017%; no homozygotes.

Submissions (2):

Labcorp Genetics (formerly Invitae), Labcorp
Classification: Uncertain significance for Ataxia-telangiectasia syndrome. Last evaluated: 2025-05-25. Review status: criteria provided, single submitter. Criteria: Invitae Variant Classification Sherloc (09022015). Collection method: clinical testing. Allele origin: germline.
Comment: This sequence change replaces leucine, which is neutral and non-polar, with phenylalanine, which is neutral and non-polar, at codon 2051 of the ATM protein (p.Leu2051Phe). This variant is not present in population databases (gnomAD no frequency). This variant has not been reported in the literature in individuals affected with ATM-related conditions. ClinVar contains an entry for this variant (Variation ID: 855634). Invitae Evidence Modeling of protein sequence and biophysical properties (such as structural, functional, and spatial information, amino acid conservation, physicochemical variation, residue mobility, and thermodynamic stability) indicates that this missense variant is not expected to disrupt ATM protein function with a negative predictive value of 95%. In summary, the available evidence is currently insufficient to determine the role of this variant in disease. Therefore, it has been classified as a Variant of Uncertain Significance.

GeneDx
Classification: Uncertain significance. Last evaluated: 2019-05-02. Review status: criteria provided, single submitter. Criteria: GeneDx Variant Classification Process June 2021. Collection method: clinical testing. Allele origin: germline. Affected: yes.
Comment: Not observed in large population cohorts (Lek et al., 2016); Has not been previously published as pathogenic or benign to our knowledge

NM_000051.4(ATM):c.6151C>T (p.Leu2051Phe)

Genes: ATM (ATM serine/threonine kinase; plus strand), C11orf65 (chromosome 11 open reading frame 65; minus strand). Cytogenetic location: 11q22.3.
Variant type: single nucleotide variant.
Coding change: c.6151C>T on transcript NM_000051.4 (MANE Select); coding-DNA position 6151, C replaced by T.
Protein change: p.Leu2051Phe; replaces leucine 2051 with phenylalanine.
Molecular consequence: missense variant. On other transcripts: intron variant (2).
Genome position (GRCh38, 1-based): chr11:108,316,066, C>T. VCF-style: chr11-108316066-C-T. GRCh37 (hg19) VCF-style: chr11-108186793-C-T.
Other names: c.6151C>T, p.Leu2051Phe (NM_001351834.2); c.641-6995G>A (NM_001330368.2); c.*39-6995G>A (NM_001351110.2); short protein forms L2051F.
Identifiers: ClinVar variation 855634 (VCV000855634.49), dbSNP rs1591779081, ClinGen allele CA382550584.